The following is an entry in ClinVar:

NM_001330260.2(SCN8A):c.5499T>A (p.Asp1833Glu)

Gene: SCN8A (sodium voltage-gated channel alpha subunit 8; plus strand). Cytogenetic location: 12q13.13.
Variant type: single nucleotide variant.
Coding change: c.5499T>A on transcript NM_001330260.2 (MANE Select); coding-DNA position 5499, T replaced by A.
Protein change: p.Asp1833Glu; replaces aspartic acid 1833 with glutamic acid.
Molecular consequence: missense variant.
Genome position (GRCh38, 1-based): chr12:51,806,985, T>A. VCF-style: chr12-51806985-T-A. GRCh37 (hg19) VCF-style: chr12-52200769-T-A.
Other names: c.5376T>A, p.Asp1792Glu (NM_001177984.3, NM_001369788.1); c.5499T>A, p.Asp1833Glu (NM_014191.4); short protein forms D1792E, D1833E.
Identifiers: ClinVar variation 1285472 (VCV001285472.1), dbSNP rs1198058104, ClinGen allele CA384886937.

ClinVar aggregate classification (germline): Uncertain significance (1 of 4 stars; one submission).

Conditions:
Seizures, benign familial infantile, 5 (BFIS5). Also called: CONVULSIONS, BENIGN FAMILIAL INFANTILE, 5. Identifiers: Orphanet 306, MedGen C4310728, MONDO:0014903, OMIM 617080.

Submission:

Institute of Human Genetics, University of Leipzig Medical Center
Classification: Uncertain significance for Seizures, benign familial infantile, 5. Last evaluated: 2020-12-02. Review status: criteria provided, single submitter. Criteria: ACMG Guidelines, 2015. Collection method: clinical testing. Allele origin: unknown. Affected: yes.
Comment: Despite strong evidence for its pathogenicity, this variant has to be classified as of unknown significance, according to the ACMG-criteria (Richards et al., 2015)